The following is an entry in ClinVar:

NM_001267550.2(TTN):c.59003C>T (p.Pro19668Leu)

Genes: TTN (titin; minus strand), TTN-AS1 (TTN antisense RNA 1; plus strand). Cytogenetic location: 2q31.2.
Variant type: single nucleotide variant.
Coding change: c.59003C>T on transcript NM_001267550.2 (MANE Select); coding-DNA position 59003, C replaced by T.
Protein change: p.Pro19668Leu; replaces proline 19668 with leucine.
Molecular consequence: missense variant.
Genome position (GRCh38, 1-based): chr2:178,593,205, G>A on the plus strand (C>T on the coding strand, the complement: TTN is on the minus strand). VCF-style: chr2-178593205-G-A. GRCh37 (hg19) VCF-style: chr2-179457932-G-A.
Other names: p.P18027L:CCA>CTA; c.59003C>T (NM_001267550.1); c.54080C>T, p.Pro18027Leu (NM_001256850.1); c.31808C>T, p.Pro10603Leu (NM_003319.4); c.51299C>T, p.Pro17100Leu (NM_133378.4); c.32183C>T, p.Pro10728Leu (NM_133432.3); c.32384C>T, p.Pro10795Leu (NM_133437.4); short protein forms P18027L, P19668L, P10603L, P17100L, P10728L, P10795L.
Identifiers: ClinVar variation 202740 (VCV000202740.5), dbSNP rs794729465, ClinGen allele CA310140.

ClinVar aggregate classification (germline): Uncertain significance. Review status: criteria provided, multiple submitters, no conflicts (2 of 4 stars). 4 submissions from 4 submitters: Uncertain significance (4). Last evaluated 2026-02-20.

Allele frequency attached by ClinVar (database versions not stated): gnomAD exomes below 0.00001; TOPMed below 0.00001; gnomAD 0.00001.
gnomAD v4.1: 36 of 1,613,258 alleles (0.0022%); highest among the groups gnomAD compares: Non-Finnish European, 0.003%; no homozygotes.

Submissions (4):

Women's Health and Genetics/Laboratory Corporation of America, LabCorp
Classification: Uncertain significance. Last evaluated: 2026-02-20. Review status: criteria provided, single submitter. Criteria: LabCorp Variant Classification Summary - May 2015. Collection method: clinical testing. Allele origin: germline.

Revvity Omics, Revvity
Classification: Uncertain significance. Last evaluated: 2024-11-12. Review status: criteria provided, single submitter. Criteria: ACMG Guidelines, 2015. Collection method: clinical testing. Allele origin: germline.

Athena Diagnostics
Classification: Uncertain significance. Last evaluated: 2022-03-30. Review status: criteria provided, single submitter. Criteria: Athena Diagnostics Criteria. Collection method: clinical testing. Allele origin: unknown.

GeneDx
Classification: Uncertain significance. Last evaluated: 2013-04-11. Review status: criteria provided, single submitter. Criteria: GeneDx Variant Classification (06012015). Collection method: clinical testing. Allele origin: germline. Affected: yes.
Comment: Missense variants in the TTN gene are considered 'unclassified' if they are not previously reported in the literature and do not have >1% frequency in the population to be considered a polymorphism. Research indicates that truncating mutations in the TTN gene are expected to account for approximately 25% of familial and 18% of sporadic idiopathic DCM; however, truncating variants in the TTN gene have been reported in approximately 3% of reported control alleles. There has been little investigation into non-truncating variants. (Herman D et al. Truncations of titin causing dilated cardiomyopathy. N Eng J Med 366:619-628, 2012) The variant is found in DCM panel(s).